The following is an entry in ClinVar:

ClinVar aggregate classification (germline): Benign (3 of 4 stars; one submission).

Conditions:
Breast-ovarian cancer, familial, susceptibility to, 2 (BROVCA2). Also called: BRCA2 Hereditary Breast and Ovarian Cancer. Identifiers: Orphanet 145, MedGen C2675520, MONDO:0012933, OMIM 612555. Disease mechanism: loss of function.

Allele frequency attached by ClinVar (database versions not stated): gnomAD 0.03695 and 0.04095; TOPMed 0.04225; 1000 Genomes Project 0.07388; 1000 Genomes Project 30x 0.07402.
gnomAD v4.1: 6,230 of 152,096 alleles (4.1%); highest among the groups gnomAD compares: South Asian, 11%; 218 homozygotes.

Submission:

Evidence-based Network for the Interpretation of Germline Mutant Alleles (ENIGMA)
Classification: Benign for Breast-ovarian cancer, familial 2. Last evaluated: 2015-01-12. Review status: reviewed by expert panel. Criteria: ENIGMA BRCA1/2 Classification Criteria (2015). Collection method: curation. Allele origin: germline.
Comment: Class 1 not pathogenic based on frequency >1% in an outbred sampleset. Frequency 0.1049 (Asian), 0.02642 (African), 0.03694 (European), derived from 1000 genomes (2012-04-30).

NM_000059.4(BRCA2):c.6841+473A>G

Gene: BRCA2 (BRCA2 DNA repair associated; plus strand). Cytogenetic location: 13q13.1.
Variant type: single nucleotide variant.
Coding change: c.6841+473A>G on transcript NM_000059.4 (MANE Select); 473 bases into the intron after coding-DNA position 6841, A replaced by G.
Molecular consequence: intron variant.
Genome position (GRCh38, 1-based): chr13:32,341,669, A>G. VCF-style: chr13-32341669-A-G. GRCh37 (hg19) VCF-style: chr13-32915806-A-G.
Other names: IVS 11+473A>G.
Identifiers: ClinVar variation 209693 (VCV000209693.1), dbSNP rs11571663, ClinGen allele CA276661.